The following is an entry in ClinVar:

NM_182961.4(SYNE1):c.3838-248C>G

Gene: SYNE1 (spectrin repeat containing nuclear envelope protein 1; minus strand). Cytogenetic location: 6q25.2.
Variant type: single nucleotide variant.
Coding change: c.3838-248C>G on transcript NM_182961.4 (MANE Select); 248 bases into the intron before coding-DNA position 3838, C replaced by G.
Molecular consequence: intron variant.
Genome position (GRCh38, 1-based): chr6:152,442,493, G>C on the plus strand (C>G on the coding strand, the complement: SYNE1 is on the minus strand). VCF-style: chr6-152442493-G-C. GRCh37 (hg19) VCF-style: chr6-152763628-G-C.
Other names: c.3859-248C>G (NM_033071.5).
Identifiers: ClinVar variation 678997 (VCV000678997.1), dbSNP rs73629803, ClinGen allele CA150230622.
Genomic context (GRCh38, chr6:152,442,493, plus strand): 5'-GTATGTTTTTAATGGTAAACAACATAAATAATTTGGCTTTCGTGTTTTGTGTGCAAATTT[G>C]GAGAATATTTAGCATTTTGTGCAATACTCTAGGAAGAGTCTGGCAAAACAATTCATCTGA-3'

ClinVar aggregate classification (germline): Likely benign (1 of 4 stars; one submission).

Allele frequency attached by ClinVar (database versions not stated): gnomAD 0.00412 and 0.00433; TOPMed 0.00455; 1000 Genomes Project 0.00479; 1000 Genomes Project 30x 0.00578.
gnomAD v4.1: 622 of 152,286 alleles (0.41%); highest among the groups gnomAD compares: African/African-American, 1.4%; 5 homozygotes.

Submission:

GeneDx
Classification: Likely benign. Last evaluated: 2018-06-16. Review status: criteria provided, single submitter. Criteria: GeneDx Variant Classification (06012015). Collection method: clinical testing. Allele origin: germline. Affected: yes.
Comment: This variant is considered likely benign or benign based on one or more of the following criteria: it is a conservative change, it occurs at a poorly conserved position in the protein, it is predicted to be benign by multiple in silico algorithms, and/or has population frequency not consistent with disease.